The following is an entry in ClinVar:

ClinVar aggregate classification (germline): Conflicting classifications of pathogenicity. Review status: criteria provided, conflicting classifications (1 of 4 stars). 5 submissions from 5 submitters: Uncertain significance (3); Likely benign (2). Last evaluated 2026-01-13.

Conditions:
Oto-palato-digital syndrome, type II (OPD2). Also called: FACIOPALATOOSSEOUS SYNDROME; OPD II SYNDROME; Otopalatodigital Syndrome, Type II; Otopalatodigital Syndrome Type 2 (FLNA-OPD2). Identifiers: Orphanet 669, Orphanet 90652, MedGen C1844696, MONDO:0010571, OMIM 304120.
Melnick-Needles syndrome (MNS). Also called: MELNICK-NEEDLES OSTEODYSPLASTY; OSTEODYSPLASTY OF MELNICK AND NEEDLES; Melnick-Needles Syndrome (FLNA-MNS). Identifiers: Orphanet 2484, MedGen C0025237, MONDO:0010650, OMIM 309350.
Frontometaphyseal dysplasia (FMD1). Identifiers: Orphanet 1826, MedGen C0265293, MONDO:0015942.
Heterotopia, periventricular, X-linked dominant (PVNH1). Also called: PERIVENTRICULAR NODULAR HETEROTOPIA 1; X-linked periventricular heterotopia; PERIVENTRICULAR NODULAR HETEROTOPIA 4; HETEROTOPIA, PERIVENTRICULAR, 1. Identifiers: Orphanet 2149, Orphanet 82004, MedGen C1848213, MONDO:0010233, OMIM 300049.
Familial thoracic aortic aneurysm and aortic dissection (TAAD). Also called: Thoracic aortic aneurysms and dissections. Identifiers: Orphanet 91387, MedGen C4707243, MONDO:0019625.

Allele frequency attached by ClinVar (database versions not stated): ExAC 0.00003; gnomAD exomes 0.00004 and 0.00012; gnomAD 0.00006; TOPMed 0.00008; ESP Exome Variant Server 0.00010.
gnomAD v4.1: 146 of 1,209,118 alleles (0.012%); highest among the groups gnomAD compares: Non-Finnish European, 0.014%; no homozygotes.

Submissions (5):

Labcorp Genetics (formerly Invitae), Labcorp
Classification: Likely benign for Oto-palato-digital syndrome, type II; Heterotopia, periventricular, X-linked dominant; Frontometaphyseal dysplasia; Melnick-Needles syndrome. Last evaluated: 2026-01-13. Review status: criteria provided, single submitter. Criteria: Invitae Variant Classification Sherloc (09022015). Collection method: clinical testing. Allele origin: germline.

Mayo Clinic Laboratories, Mayo Clinic
Classification: Uncertain significance. Last evaluated: 2022-11-23. Review status: criteria provided, single submitter. Criteria: ACMG Guidelines, 2015. Collection method: clinical testing. Allele origin: germline. Observed: 1 variant allele.
Comment: PP2

GeneDx
Classification: Likely benign. Last evaluated: 2020-07-14. Review status: criteria provided, single submitter. Criteria: GeneDx Variant Classification Process June 2021. Collection method: clinical testing. Allele origin: germline. Affected: yes.

Ambry Genetics
Classification: Uncertain significance for Familial thoracic aortic aneurysm and aortic dissection. Last evaluated: 2019-07-08. Review status: criteria provided, single submitter. Criteria: Ambry Variant Classification Scheme 2023. Collection method: clinical testing. Allele origin: germline.
Comment: The p.D1354N variant (also known as c.4060G>A), located in coding exon 23 of the FLNA gene, results from a G to A substitution at nucleotide position 4060. The aspartic acid at codon 1354 is replaced by asparagine, an amino acid with highly similar properties. This amino acid position is well conserved in available vertebrate species; however, asparagineis the reference amino acid in other vertebrate species. In addition, this alteration is predicted to be tolerated by in silico analysis. Since supporting evidence is limited at this time, the clinical significance of this alteration remains unclear.

Claritas Genomics
Classification: Uncertain significance for periventricular nodular heterotopia. Last evaluated: 2014-10-01. Review status: criteria provided, single submitter. Criteria: ACMG Guidelines, 2007. Collection method: clinical testing. Allele origin: germline. Inheritance: X-linked inheritance.

NM_001110556.2(FLNA):c.4060G>A (p.Asp1354Asn)

Gene: FLNA (filamin A; minus strand). Cytogenetic location: Xq28.
Variant type: single nucleotide variant.
Coding change: c.4060G>A on transcript NM_001110556.2 (MANE Select); coding-DNA position 4060, G replaced by A.
Protein change: p.Asp1354Asn; replaces aspartic acid 1354 with asparagine.
Molecular consequence: missense variant.
Genome position (GRCh38, 1-based): chrX:154,359,566, C>T on the plus strand (G>A on the coding strand, the complement: FLNA is on the minus strand). VCF-style: chrX-154359566-C-T. GRCh37 (hg19) VCF-style: chrX-153587934-C-T.
Other names: p.D1354N:GAC>AAC; p.Asp1354Asn; c.4060G>A, p.Asp1354Asn (NM_001456.4); short protein forms D1354N.
Identifiers: ClinVar variation 190193 (VCV000190193.17), dbSNP rs377390031, ClinGen allele CA274734.
Genomic context (GRCh38, chrX:154,359,566, plus strand): 5'-TGGGCTTGTTGGTGGTGCCACTTTGGATGCCTGGCCCGTGGACACGCACCCGGGAGGGGT[C>T]GCAGCCCTCGGTCACGGGCACCTGGAAGGGGCTGCTGGGCACGGGACTGCCGTCATAGGT-3'
Protein context (NP_001104026.1, residues 1344-1364): PFQVPVTEGC[Asp1354Asn]PSRVRVHGPG